The following is an entry in ClinVar:

ClinVar aggregate classification (germline): Likely benign. Review status: criteria provided, multiple submitters, no conflicts (2 of 4 stars). 4 submissions from 4 submitters: Likely benign (4). Last evaluated 2026-06-01.

Conditions:
DST-related disorder. Also called: DST-related condition; DST-related disorders.
Hereditary sensory and autonomic neuropathy type 6. Also called: Neuropathy, hereditary sensory and autonomic, type VI; HSAN VI. Identifiers: Orphanet 314381, MedGen C3539003, MONDO:0013839, OMIM 614653.
Epidermolysis bullosa simplex 3, localized or generalized intermediate, with BP230 deficiency (EBS3). Also called: Epidermolysis bullosa simplex due to BP230 deficiency; Epidermolysis bullosa simplex, autosomal recessive 2. Identifiers: Orphanet 412181, MedGen C3809470, MONDO:0014180, OMIM 615425.

Allele frequency attached by ClinVar (database versions not stated): gnomAD 0.00005; TOPMed 0.00005; gnomAD exomes 0.00006 and 0.00007; ExAC 0.00007; ESP Exome Variant Server 0.00031.
gnomAD v4.1: 110 of 1,614,030 alleles (0.0068%); highest among the groups gnomAD compares: Middle Eastern, 0.049%; no homozygotes.

Submissions (4):

CeGaT Center for Human Genetics Tuebingen
Classification: Likely benign. Last evaluated: 2026-06-01. Review status: criteria provided, single submitter. Criteria: CeGaT Center For Human Genetics Tuebingen Variant Classification Criteria Version 2. Collection method: clinical testing. Allele origin: germline. Affected: yes. Observed: 1 variant allele.
Comment: DST: BP4, BP7

PreventionGenetics, part of Exact Sciences
Classification: Likely benign for DST-related condition. Last evaluated: 2026-03-31. Review status: criteria provided, single submitter. Criteria: ACMG Guidelines, 2015. Collection method: clinical testing. Allele origin: germline.
Comment: This variant is classified as likely benign based on ACMG/AMP sequence variant interpretation guidelines (Richards et al. 2015 PMID: 25741868, with internal and published modifications).

Labcorp Genetics (formerly Invitae), Labcorp
Classification: Likely benign for Epidermolysis bullosa simplex 3, localized or generalized intermediate, with BP230 deficiency; Hereditary sensory and autonomic neuropathy type 6. Last evaluated: 2025-12-26. Review status: criteria provided, single submitter. Criteria: Invitae Variant Classification Sherloc (09022015). Collection method: clinical testing. Allele origin: germline.

Blueprint Genetics
Classification: Likely benign. Last evaluated: 2024-08-16. Review status: criteria provided, single submitter. Criteria: ACMG Guidelines, 2015. Collection method: clinical testing. Allele origin: germline.

NM_001723.7(DST):c.3591C>T (p.Arg1197=)

Gene: DST (dystonin; minus strand). Cytogenetic location: 6p12.1.
Variant type: single nucleotide variant.
Coding change: c.3591C>T on transcript NM_001723.7 (MANE Plus Clinical); coding-DNA position 3591, C replaced by T.
Protein change: p.Arg1197=; no amino-acid change (arginine 1197 retained).
Molecular consequence: synonymous variant. On other transcripts: intron variant (10).
Genome position (GRCh38, 1-based): chr6:56,620,443, G>A on the plus strand (C>T on the coding strand, the complement: DST is on the minus strand). VCF-style: chr6-56620443-G-A. GRCh37 (hg19) VCF-style: chr6-56485241-G-A.
Other names: c.4830+4087C>T (NM_001144769.5); c.4929+4087C>T (NM_001374722.1, NM_001374736.1); c.4956+4087C>T (NM_001374734.1); c.4416+4087C>T (NM_001144770.2); c.4296+4087C>T (NM_001374730.1, NM_001386100.1, NM_183380.4 and 1 more transcripts); c.3318+4087C>T (NM_015548.5).
Identifiers: ClinVar variation 704116 (VCV000704116.18), dbSNP rs368674616, ClinGen allele CA3870686.